The following is an entry in ClinVar:

NM_000352.6(ABCC8):c.1603_1604insA (p.Ala535fs)

Gene: ABCC8 (ATP binding cassette subfamily C member 8; minus strand). Cytogenetic location: 11p15.1.
Variant type: Insertion.
Coding change: c.1603_1604insA on transcript NM_000352.6 (MANE Select); coding-DNA positions 1603 to 1604, A inserted.
Protein change: p.Ala535fs; shifts the reading frame from alanine 535.
Molecular consequence: frameshift variant. On other transcripts: non-coding transcript variant (1).
Genome position: GRCh38 VCF-style: chr11-17442746-G-GT. GRCh37 (hg19) VCF-style: chr11-17464293-G-GT.
Other names: c.1603_1604insA, p.Ala535fs (NM_001287174.3, NM_001351295.2); c.1600_1601insA, p.Ala534fs (NM_001351296.2, NM_001351297.2); short protein forms A534fs, A535fs.
Identifiers: ClinVar variation 370657 (VCV000370657.4), dbSNP rs1057516665, ClinGen allele CA16041452.

ClinVar aggregate classification (germline): Uncertain significance. Review status: criteria provided, single submitter (1 of 4 stars). 3 submissions from 2 submitters: Uncertain significance (2). 1 of the submissions does not count toward it.

Conditions:
Transitory neonatal diabetes mellitus. Also called: Transient neonatal diabetes mellitus. Identifiers: MedGen C0342273, MONDO:0020525, HP:0008255.
Maturity-onset diabetes of the young (MODY). Also called: Maturity onset diabetes mellitus in young. Identifiers: Orphanet 552, MedGen C0342276, MONDO:0018911, HP:0004904.
Hyperinsulinemic hypoglycemia, familial, 1 (HHF1). Also called: Persistent Hyperinsulinemia Hypoglycemia of Infancy; HYPERINSULINISM, FAMILIAL, WITH PANCREATIC NESIDIOBLASTOSIS; HYPOGLYCEMIA, HYPERINSULINEMIC, OF INFANCY; NESIDIOBLASTOSIS OF PANCREAS; Persistent hyperinsulinemic hypoglycemia of infancy. Identifiers: Orphanet 276575, Orphanet 276598, MedGen C2931832, MONDO:0009734, OMIM 256450.

Submissions (3):

Clinical Genomics, Uppaluri K&H Personalized Medicine Clinic
Classification: Uncertain significance for Transitory neonatal diabetes mellitus. Review status: criteria provided, single submitter. Criteria: K & H Uppaluri Personalized Medicine Clinic Variant Classification & Assertion Criteria_Updated V.1. Collection method: research. Allele origin: unknown. Inheritance: Somatic mutation.
Comment: Mutations in ABCC8 gene are associated with both neonatal diabetes mellitus as well as MODY. Patients with this mutation may have a better response to sulfonylureas. However, no sufficient evidence is found to ascertain the role of this particular variant (rs1057516665) in neonatal diabetes yet.

Clinical Genomics, Uppaluri K&H Personalized Medicine Clinic
Classification: Uncertain significance for Maturity-onset diabetes of the young. Review status: criteria provided, single submitter. Criteria: K & H Uppaluri Personalized Medicine Clinic Variant Classification & Assertion Criteria_Updated V.1. Collection method: research. Allele origin: unknown. Inheritance: Somatic mutation.
Comment: Mutations in ABCC8 gene are associated with both neonatal diabetes mellitus as well as MODY. Patients with this mutation may have a better response to sulfonylureas. However, no sufficient evidence is found to ascertain the role of this particular variant (rs1057516665) in MODY yet.

Counsyl
Classification: Likely pathogenic for Hyperinsulinemic hypoglycemia, familial, 1. Last evaluated: 2016-03-17. Review status: no assertion criteria provided. Collection method: clinical testing. Allele origin: unknown. Not counted in ClinVar's aggregate classification.

Literature cited by the submitters: PubMed 16885549 (cited by Clinical Genomics, Uppaluri K&H Personalized Medicine Clinic); PubMed 21989597 (cited by Clinical Genomics, Uppaluri K&H Personalized Medicine Clinic); PubMed 27538677 (cited by Clinical Genomics, Uppaluri K&H Personalized Medicine Clinic); PubMed 18981553 (cited by Clinical Genomics, Uppaluri K&H Personalized Medicine Clinic); PubMed 32027066 (cited by Clinical Genomics, Uppaluri K&H Personalized Medicine Clinic); PubMed 16613899 (cited by Clinical Genomics, Uppaluri K&H Personalized Medicine Clinic); PubMed 18025408 (cited by Clinical Genomics, Uppaluri K&H Personalized Medicine Clinic); PubMed 32792356 (cited by Clinical Genomics, Uppaluri K&H Personalized Medicine Clinic).